The following is an entry in ClinVar:

ClinVar aggregate classification (germline): Uncertain significance (1 of 4 stars; one submission).

Conditions:
Nephronophthisis. Also called: Juvenile Nephronophthisis. Identifiers: Orphanet 655, MedGen C0687120, MONDO:0019005, HP:0000090.

Allele frequency attached by ClinVar (database versions not stated): gnomAD exomes below 0.00001.
gnomAD v4.1: 6 of 1,519,346 alleles (0.00039%); highest among the groups gnomAD compares: Non-Finnish European, 0.00055%; no homozygotes.

Submission:

Labcorp Genetics (formerly Invitae), Labcorp
Classification: Uncertain significance for Nephronophthisis. Last evaluated: 2019-12-28. Review status: criteria provided, single submitter. Criteria: Invitae Variant Classification Sherloc (09022015). Collection method: clinical testing. Allele origin: germline.
Comment: In summary, the available evidence is currently insufficient to determine the role of this variant in disease. Therefore, it has been classified as a Variant of Uncertain Significance. Algorithms developed to predict the effect of sequence changes on RNA splicing suggest that this variant may disrupt the consensus splice site, but this prediction has not been confirmed by published transcriptional studies. This variant has not been reported in the literature in individuals with NPHP3-related conditions. This variant is not present in population databases (ExAC no frequency). This sequence change falls in intron 25 of the NPHP3 gene. It does not directly change the encoded amino acid sequence of the NPHP3 protein.

NM_153240.5(NPHP3):c.3697-9T>G

Genes: NPHP3 (nephrocystin 3; minus strand), NPHP3-ACAD11 (NPHP3-ACAD11 readthrough (NMD candidate); minus strand). Cytogenetic location: 3q22.1.
Variant type: single nucleotide variant.
Coding change: c.3697-9T>G on transcript NM_153240.5 (MANE Select); 9 bases into the intron before coding-DNA position 3697, T replaced by G.
Molecular consequence: intron variant.
Genome position (GRCh38, 1-based): chr3:132,682,827, A>C on the plus strand (T>G on the coding strand, the complement: NPHP3 is on the minus strand). VCF-style: chr3-132682827-A-C. GRCh37 (hg19) VCF-style: chr3-132401671-A-C.
Identifiers: ClinVar variation 856770 (VCV000856770.7), dbSNP rs1939067062, ClinGen allele CA916082605.
Genomic context (GRCh38, chr3:132,682,827, plus strand): 5'-CATAAATCTTTAATGCTCTTTCATATAATGGCAAAGCTTCAACGTGTTTTTTCTTATTAA[A>C]AAAAATGATAATGCTCATGCACACTGGGTTTCTGAAATTAATGTATTCTAGACTAAGCTA-3'